The following is an entry in ClinVar:

NM_001458.5(FLNC):c.7186C>T (p.Pro2396Ser)

Genes: FLNC-AS1 (FLNC antisense RNA 1; minus strand), FLNC (filamin C; plus strand). Cytogenetic location: 7q32.1.
Variant type: single nucleotide variant.
Coding change: c.7186C>T on transcript NM_001458.5 (MANE Select); coding-DNA position 7186, C replaced by T.
Protein change: p.Pro2396Ser; replaces proline 2396 with serine.
Molecular consequence: missense variant.
Genome position (GRCh38, 1-based): chr7:128,855,249, C>T. VCF-style: chr7-128855249-C-T. GRCh37 (hg19) VCF-style: chr7-128495303-C-T.
Other names: c.7087C>T, p.Pro2363Ser (NM_001127487.2); short protein forms P2363S, P2396S.
Identifiers: ClinVar variation 1406572 (VCV001406572.8), dbSNP rs1809007749, ClinGen allele CA369215753.

ClinVar aggregate classification (germline): Uncertain significance (1 of 4 stars; one submission).

Conditions:
Hypertrophic cardiomyopathy 26. Also called: Cardiomyopathy, familial hypertrophic, 26. Identifiers: Orphanet 75249, MedGen C4310749, MONDO:0014883, OMIM 617047.
Myofibrillar myopathy 5. Also called: FILAMINOPATHY, AUTOSOMAL DOMINANT; Filaminopathy (type). Identifiers: Orphanet 171445, MedGen C1836050, MONDO:0012289, OMIM 609524.
Distal myopathy with posterior leg and anterior hand involvement. Also called: WILLIAMS DISTAL MYOPATHY. Identifiers: Orphanet 63273, MedGen C3279722, MONDO:0013550, OMIM 614065.

Allele frequency attached by ClinVar (database versions not stated): TOPMed below 0.00001.

Submission:

Labcorp Genetics (formerly Invitae), Labcorp
Classification: Uncertain significance for Distal myopathy with posterior leg and anterior hand involvement; Myofibrillar myopathy 5; Hypertrophic cardiomyopathy 26. Last evaluated: 2021-02-05. Review status: criteria provided, single submitter. Criteria: Invitae Variant Classification Sherloc (09022015). Collection method: clinical testing. Allele origin: germline.
Comment: In summary, the available evidence is currently insufficient to determine the role of this variant in disease. Therefore, it has been classified as a Variant of Uncertain Significance. Algorithms developed to predict the effect of missense changes on protein structure and function (SIFT, PolyPhen-2, Align-GVGD) all suggest that this variant is likely to be disruptive, but these predictions have not been confirmed by published functional studies and their clinical significance is uncertain. This variant has not been reported in the literature in individuals with FLNC-related conditions. This variant is not present in population databases (ExAC no frequency). This sequence change replaces proline with serine at codon 2396 of the FLNC protein (p.Pro2396Ser). The proline residue is highly conserved and there is a moderate physicochemical difference between proline and serine.